The following is an entry in ClinVar:

NM_000095.3(COMP):c.746G>T (p.Gly249Val)

Gene: COMP (cartilage oligomeric matrix protein; minus strand). Cytogenetic location: 19p13.11.
Variant type: single nucleotide variant.
Coding change: c.746G>T on transcript NM_000095.3 (MANE Select); coding-DNA position 746, G replaced by T.
Protein change: p.Gly249Val; replaces glycine 249 with valine.
Molecular consequence: missense variant.
Genome position (GRCh38, 1-based): chr19:18,788,608, C>A on the plus strand (G>T on the coding strand, the complement: COMP is on the minus strand). VCF-style: chr19-18788608-C-A. GRCh37 (hg19) VCF-style: chr19-18899417-C-A.
Other names: short protein forms G249V.
Identifiers: ClinVar variation 1684129 (VCV001684129.3), dbSNP rs1207431343, ClinGen allele CA404893354.
Genomic context (GRCh38, chr19:18,788,608, plus strand): 5'-GCCGCCACCCAACCCCGCCTCAAGCCCAGCCCGCCCGCACTCACCACGCACGACCGCGAG[C>A]CATCGCGCTCTAGGACGCAGTCTGCATGCTCGTGGCACTCGCTGGGCGAGCCGTCGGGGC-3'
Protein context (NP_000086.2, residues 239-259): EHADCVLERD[Gly249Val]SRSCVCAVGW

ClinVar aggregate classification (germline): Uncertain significance (1 of 4 stars; one submission).

Allele frequency attached by ClinVar (database versions not stated): TOPMed below 0.00001; gnomAD 0.00001; gnomAD exomes 0.00001.
gnomAD v4.1: 9 of 1,551,258 alleles (0.00058%); highest among the groups gnomAD compares: African/African-American, 0.0014%; no homozygotes.

Submission:

GeneDx
Classification: Uncertain significance. Last evaluated: 2024-09-03. Review status: criteria provided, single submitter. Criteria: GeneDx Variant Classification Process June 2021. Collection method: clinical testing. Allele origin: germline. Affected: yes.
Comment: Not observed at significant frequency in large population cohorts (gnomAD); In silico analysis supports that this missense variant has a deleterious effect on protein structure/function; Has not been previously published as pathogenic or benign to our knowledge